The following is an entry in ClinVar:

NM_198252.3(GSN):c.2174C>A (p.Ala725Asp)

Gene: GSN (gelsolin; plus strand). Cytogenetic location: 9q33.2.
Variant type: single nucleotide variant.
Coding change: c.2174C>A on transcript NM_198252.3 (MANE Select); coding-DNA position 2174, C replaced by A.
Protein change: p.Ala725Asp; replaces alanine 725 with aspartic acid.
Molecular consequence: missense variant.
Genome position (GRCh38, 1-based): chr9:121,332,581, C>A. VCF-style: chr9-121332581-C-A. GRCh37 (hg19) VCF-style: chr9-124094859-C-A.
Other names: c.2327C>A, p.Ala776Asp (NM_000177.5); c.2174C>A, p.Ala725Asp (NM_001127662.2, NM_001127664.2, NM_001127665.2 and 10 more transcripts); c.2282C>A, p.Ala761Asp (NM_001127663.2); c.2207C>A, p.Ala736Asp (NM_001127666.2, NM_001127667.2, NM_001353063.2 and 13 more transcripts); c.2225C>A, p.Ala742Asp (NM_001258029.2); c.2198C>A, p.Ala733Asp (NM_001258030.2); c.2246C>A, p.Ala749Asp (NM_001353076.2); c.1520C>A, p.Ala507Asp (NM_001353078.2); short protein forms A507D, A733D, A742D, A776D, A725D, A736D, A749D, A761D.
Identifiers: ClinVar variation 1789662 (VCV001789662.2), dbSNP rs1261361909, ClinGen allele CA374760652.

ClinVar aggregate classification (germline): Uncertain significance (1 of 4 stars; one submission).

Conditions:
Inborn genetic diseases. Identifiers: MedGen C0950123, MeSH D030342.

Submission:

Ambry Genetics
Classification: Uncertain significance for Inborn genetic diseases. Last evaluated: 2020-10-14. Review status: criteria provided, single submitter. Criteria: Ambry Variant Classification Scheme 2023. Collection method: clinical testing. Allele origin: germline.
Comment: The p.A776D variant (also known as c.2327C>A), located in coding exon 17 of the GSN gene, results from a C to A substitution at nucleotide position 2327. The alanine at codon 776 is replaced by aspartic acid, an amino acid with dissimilar properties. This amino acid position is well conserved in available vertebrate species. In addition, this alteration is predicted to be tolerated by in silico analysis. Since supporting evidence is limited at this time, the clinical significance of this alteration remains unclear.